The following is an entry in ClinVar:

NM_057175.5(NAA15):c.2149A>C (p.Asn717His)

Gene: NAA15 (N-alpha-acetyltransferase 15, NatA auxiliary subunit; plus strand). Cytogenetic location: 4q31.1.
Variant type: single nucleotide variant.
Coding change: c.2149A>C on transcript NM_057175.5 (MANE Select); coding-DNA position 2149, A replaced by C.
Protein change: p.Asn717His; replaces asparagine 717 with histidine.
Molecular consequence: missense variant.
Genome position (GRCh38, 1-based): chr4:139,378,848, A>C. VCF-style: chr4-139378848-A-C. GRCh37 (hg19) VCF-style: chr4-140300002-A-C.
Other names: c.2149A>C, p.Asn717His (NM_001410842.1); c.*558A>C (NM_025085.2); c.2149A>C (NM_057175.3); short protein forms N717H.
Identifiers: ClinVar variation 2082397 (VCV002082397.33), dbSNP rs201012461, ClinGen allele CA3083778.
Genomic context (GRCh38, chr4:139,378,848, plus strand): 5'-AGGGCATTTGCTATTGATTCTAGTCATCCCTGGCTTCATGAGTGTATGATTCGTCTCTTT[A>C]ATACTGGTATGTTTTTGTTTTCCATTACTTAAGTATTTGATACAGTGGTTGATGGTGACG-3'
Protein context (NP_476516.1, residues 707-727): WLHECMIRLF[Asn717His]TAVCESKDLS

ClinVar aggregate classification (germline): Benign/Likely benign. Review status: criteria provided, multiple submitters, no conflicts (2 of 4 stars). 4 submissions from 4 submitters: Benign (2); Likely benign (1). 1 of the submissions does not count toward it. Last evaluated 2026-01-01.

Conditions:
Inborn genetic diseases. Identifiers: MedGen C0950123, MeSH D030342.
NAA15-related disorder.

Allele frequency attached by ClinVar (database versions not stated): TOPMed 0.00012; ESP Exome Variant Server 0.00017; gnomAD 0.00023; gnomAD exomes 0.00055; 1000 Genomes Project 30x 0.00078; 1000 Genomes Project 0.00080; ExAC 0.00134.
gnomAD v4.1: 796 of 1,547,472 alleles (0.051%); highest among the groups gnomAD compares: South Asian, 0.8%; 20 homozygotes.

Submissions (4):

CeGaT Center for Human Genetics Tuebingen
Classification: Benign. Last evaluated: 2026-01-01. Review status: criteria provided, single submitter. Criteria: CeGaT Center For Human Genetics Tuebingen Variant Classification Criteria Version 2. Collection method: clinical testing. Allele origin: germline. Affected: yes. Observed: 3 variant alleles.
Comment: NAA15: BP4, BS1, BS2

Labcorp Genetics (formerly Invitae), Labcorp
Classification: Benign. Last evaluated: 2025-12-29. Review status: criteria provided, single submitter. Criteria: Invitae Variant Classification Sherloc (09022015). Collection method: clinical testing. Allele origin: germline.

Ambry Genetics
Classification: Likely benign for Inborn genetic diseases. Last evaluated: 2024-09-11. Review status: criteria provided, single submitter. Criteria: Ambry Variant Classification Scheme 2023. Collection method: clinical testing. Allele origin: germline.

PreventionGenetics, part of Exact Sciences
Classification: Benign for NAA15-related condition. Last evaluated: 2021-03-24. Review status: no assertion criteria provided. Collection method: clinical testing. Allele origin: germline. Not counted in ClinVar's aggregate classification.
Comment: This variant is classified as benign based on ACMG/AMP sequence variant interpretation guidelines (Richards et al. 2015 PMID: 25741868, with internal and published modifications).